The following is an entry in ClinVar:

ClinVar aggregate classification (germline): Uncertain significance (1 of 4 stars; one submission).

Conditions:
Cardiovascular phenotype. Identifiers: MedGen CN230736.

Submission:

Ambry Genetics
Classification: Uncertain significance for Cardiovascular phenotype. Last evaluated: 2023-03-18. Review status: criteria provided, single submitter. Criteria: Ambry Variant Classification Scheme 2023. Collection method: clinical testing. Allele origin: germline.
Comment: The p.L1631F variant (also known as c.4891C>T), located in coding exon 31 of the MYH6 gene, results from a C to T substitution at nucleotide position 4891. The leucine at codon 1631 is replaced by phenylalanine, an amino acid with highly similar properties. This amino acid position is conserved. In addition, this alteration is predicted to be deleterious by in silico analysis. Since supporting evidence is limited at this time, the clinical significance of this alteration remains unclear.

NM_002471.4(MYH6):c.4891C>T (p.Leu1631Phe)

Genes: MYH6 (myosin heavy chain 6; minus strand), LOC126861896 (BRD4-independent group 4 enhancer GRCh37_chr14:23854904-23856103; plus strand). Cytogenetic location: 14q11.2.
Variant type: single nucleotide variant.
Coding change: c.4891C>T on transcript NM_002471.4 (MANE Select); coding-DNA position 4891, C replaced by T.
Protein change: p.Leu1631Phe; replaces leucine 1631 with phenylalanine.
Molecular consequence: missense variant.
Genome position (GRCh38, 1-based): chr14:23,386,383, G>A on the plus strand (C>T on the coding strand, the complement: MYH6 is on the minus strand). VCF-style: chr14-23386383-G-A. GRCh37 (hg19) VCF-style: chr14-23855592-G-A.
Other names: short protein forms L1631F.
Identifiers: ClinVar variation 2567189 (VCV002567189.2), dbSNP rs2502143327, ClinGen allele CA388991297.